The following is an entry in ClinVar:

NM_001042492.3(NF1):c.2990+5G>C

Gene: NF1 (neurofibromin 1; plus strand). Cytogenetic location: 17q11.2.
Variant type: single nucleotide variant.
Coding change: c.2990+5G>C on transcript NM_001042492.3 (MANE Select); 5 bases into the intron after coding-DNA position 2990, G replaced by C.
Molecular consequence: intron variant.
Genome position (GRCh38, 1-based): chr17:31,229,979, G>C. VCF-style: chr17-31229979-G-C. GRCh37 (hg19) VCF-style: chr17-29556997-G-C.
Other names: c.2990+5G>C (NM_000267.4).
Identifiers: ClinVar variation 3237709 (VCV003237709.2), dbSNP rs1555614464.

ClinVar aggregate classification (germline): Pathogenic/Likely pathogenic. Review status: criteria provided, multiple submitters, no conflicts (2 of 4 stars). 2 submissions from 2 submitters: Pathogenic (1); Likely pathogenic (1). Last evaluated 2025-12-14.

Conditions:
Hereditary cancer-predisposing syndrome. Also called: Hereditary Cancer Syndrome; Tumor predisposition; Neoplastic Syndromes, Hereditary; Hereditary neoplastic syndrome. Identifiers: Orphanet 140162, MedGen C0027672, MeSH D009386, MONDO:0015356.
Cardiovascular phenotype. Identifiers: MedGen CN230736.
Neurofibromatosis, type 1 (NF1). Also called: VON RECKLINGHAUSEN DISEASE; Neurofibromatosis, type I; NEUROFIBROMATOSIS, TYPE I, SOMATIC; Peripheral type neurofibromatosis. Identifiers: Orphanet 636, MedGen C0027831, MONDO:0018975, OMIM 162200. Disease mechanism: loss of function.

Submissions (2):

Labcorp Genetics (formerly Invitae), Labcorp
Classification: Pathogenic for Neurofibromatosis, type 1. Last evaluated: 2025-12-14. Review status: criteria provided, single submitter. Criteria: Invitae Variant Classification Sherloc (09022015). Collection method: clinical testing. Allele origin: germline.
Comment: This sequence change falls in intron 22 of the NF1 gene. It does not directly change the encoded amino acid sequence of the NF1 protein. It affects a nucleotide within the consensus splice site. This variant is not present in population databases (gnomAD no frequency). This variant has been observed in individual(s) with neurofibromatosis type 1 (PMID: 26740943; internal data). ClinVar contains an entry for this variant (Variation ID: 3237709). Variants that disrupt the consensus splice site are a relatively common cause of aberrant splicing (PMID: 17576681, 9536098). Algorithms developed to predict the effect of sequence changes on RNA splicing suggest that this variant may disrupt the consensus splice site. This variant disrupts the c.2990+5G nucleotide in the NF1 gene. Other variant(s) that disrupt this nucleotide have been determined to be pathogenic (PMID: 17311297, 21520333; internal data). This suggests that this nucleotide is clinically significant, and that variants that disrupt this position are likely to be disease-causing. For these reasons, this variant has been classified as Pathogenic.

Ambry Genetics
Classification: Likely pathogenic for Cardiovascular phenotype; Hereditary cancer-predisposing syndrome. Last evaluated: 2023-07-19. Review status: criteria provided, single submitter. Criteria: Ambry Variant Classification Scheme 2023. Collection method: clinical testing. Allele origin: germline.
Comment: The c.2990+5G>C intronic variant results from a G to C substitution 5 nucleotides after coding exon 22 in the NF1 gene. This nucleotide position is highly conserved in available vertebrate species. This alteration was detected in individuals meeting diagnostic criteria for neurofibromatosis type 1 (NF1) (Bianchessi D et al. Mol Genet Genomic Med, 2015 Nov;3:513-25; Melloni G et al. Cancers (Basel), 2019 Nov;11). In silico splice site analysis predicts that this alteration may weaken the native splice donor site; however, direct evidence is insufficient at this time (Ambry internal data). Another alteration impacting the same donor site (c.2990+5G>A) has been detected in individuals with NF1 (Wimmer K et al. Hum Mutat, 2007 Jun;28:599-612). This variant is considered to be rare based on population cohorts in the Genome Aggregation Database (gnomAD). Based on the majority of available evidence to date, this variant is likely to be pathogenic.

Literature cited by the submitters: PubMed 26740943 (cited by Labcorp Genetics (formerly Invitae), Labcorp); PubMed 17576681 (cited by Labcorp Genetics (formerly Invitae), Labcorp); PubMed 9536098 (cited by Labcorp Genetics (formerly Invitae), Labcorp); PubMed 17311297 (cited by Labcorp Genetics (formerly Invitae), Labcorp); PubMed 21520333 (cited by Labcorp Genetics (formerly Invitae), Labcorp).